The following is an entry in ClinVar:

ClinVar aggregate classification (germline): Uncertain significance. Review status: criteria provided, multiple submitters, no conflicts (2 of 4 stars). 3 submissions from 3 submitters: Uncertain significance (2). 1 of the submissions does not count toward it. Last evaluated 2023-06-21.

Conditions:
Inborn genetic diseases. Identifiers: MedGen C0950123, MeSH D030342.
Usher syndrome type 1 (USH1). Also called: RETINITIS PIGMENTOSA AND CONGENITAL DEAFNESS. Identifiers: Orphanet 231169, Orphanet 886, MedGen C1568247, MONDO:0010168, OMIM 276900.

Allele frequency attached by ClinVar (database versions not stated): gnomAD exomes below 0.00001; gnomAD 0.00002; ESP Exome Variant Server 0.00008; ExAC 0.00001; TOPMed 0.00002.
gnomAD v4.1: 7 of 1,612,534 alleles (0.00043%); highest among the groups gnomAD compares: African/African-American, 0.0093%; no homozygotes.

Submissions (3):

Ambry Genetics
Classification: Uncertain significance for Inborn genetic diseases. Last evaluated: 2023-06-21. Review status: criteria provided, single submitter. Criteria: Ambry Variant Classification Scheme 2023. Collection method: clinical testing. Allele origin: germline.

Labcorp Genetics (formerly Invitae), Labcorp
Classification: Uncertain significance. Last evaluated: 2022-03-10. Review status: criteria provided, single submitter. Criteria: Invitae Variant Classification Sherloc (09022015). Collection method: clinical testing. Allele origin: germline.
Comment: This sequence change replaces valine, which is neutral and non-polar, with leucine, which is neutral and non-polar, at codon 1779 of the CDH23 protein (p.Val1779Leu). This variant is present in population databases (rs376114326, gnomAD 0.007%). This variant has not been reported in the literature in individuals affected with CDH23-related conditions. ClinVar contains an entry for this variant (Variation ID: 1014931). Algorithms developed to predict the effect of missense changes on protein structure and function are either unavailable or do not agree on the potential impact of this missense change (SIFT: "Deleterious"; PolyPhen-2: "Not Available"; Align-GVGD: "Class C25"). In summary, the available evidence is currently insufficient to determine the role of this variant in disease. Therefore, it has been classified as a Variant of Uncertain Significance.

Natera, Inc.
Classification: Uncertain significance for Usher syndrome type 1. Last evaluated: 2021-02-02. Review status: no assertion criteria provided. Collection method: clinical testing. Allele origin: germline. Not counted in ClinVar's aggregate classification.

NM_022124.6(CDH23):c.5335G>C (p.Val1779Leu)

Gene: CDH23 (cadherin related 23; plus strand). Cytogenetic location: 10q22.1.
Variant type: single nucleotide variant.
Coding change: c.5335G>C on transcript NM_022124.6 (MANE Select); coding-DNA position 5335, G replaced by C.
Protein change: p.Val1779Leu; replaces valine 1779 with leucine.
Molecular consequence: missense variant.
Genome position (GRCh38, 1-based): chr10:71,779,414, G>C. VCF-style: chr10-71779414-G-C. GRCh37 (hg19) VCF-style: chr10-73539171-G-C.
Other names: c.5335G>C (NM_022124.5); short protein forms V1779L.
Identifiers: ClinVar variation 1014931 (VCV001014931.8), dbSNP rs376114326, ClinGen allele CA5545713.
Genomic context (GRCh38, chr10:71,779,414, plus strand): 5'-CCGGGGCCCAGAGTGTGGACCTTCCTGGCCCATGACCGAGACTCAGGACCCAACGGGCAG[G>C]TGGAGTACAGCATCATGGATGGAGACCCTCTGGGTGAGTGGGGCTTGGGGCATGCCACCC-3'
Protein context (NP_071407.4, residues 1769-1789): HDRDSGPNGQ[Val1779Leu]EYSIMDGDPL